The following is an entry in ClinVar:

NM_007294.4(BRCA1):c.5526A>T (p.Val1842=)

Gene: BRCA1 (BRCA1 DNA repair associated; minus strand). Cytogenetic location: 17q21.31.
Variant type: single nucleotide variant.
Coding change: c.5526A>T on transcript NM_007294.4 (MANE Select); coding-DNA position 5526, A replaced by T.
Protein change: p.Val1842=; no amino-acid change (valine 1842 retained).
Molecular consequence: synonymous variant. On other transcripts: 3 prime UTR variant (17).
Genome position (GRCh38, 1-based): chr17:43,045,744, T>A on the plus strand (A>T on the coding strand, the complement: BRCA1 is on the minus strand). VCF-style: chr17-43045744-T-A. GRCh37 (hg19) VCF-style: chr17-41197761-T-A.
Other names: c.5385A>T, p.Val1795= (NM_001407694.1, NM_001407695.1, NM_001407696.1 and 12 more transcripts); c.5382A>T, p.Val1794= (NM_001407732.1, NM_001407733.1, NM_001407734.1 and 18 more transcripts); c.5379A>T, p.Val1793= (NM_001407838.1, NM_001407839.1, NM_001407841.1 and 12 more transcripts); c.*40A>T (NM_001407854.1, NM_001407858.1, NM_001407859.1 and 14 more transcripts); c.5325A>T, p.Val1775= (NM_001407862.1); c.5322A>T, p.Val1774= (NM_001407863.1); c.5319A>T, p.Val1773= (NM_001407874.1, NM_001407875.1); c.5316A>T, p.Val1772= (NM_001407879.1, NM_001407881.1, NM_001407882.1 and 5 more transcripts); and 74 more.
Identifiers: ClinVar variation 864973 (VCV000864973.3), dbSNP rs1555574397, ClinGen allele CA500142898.

Conditions:
Breast-ovarian cancer, familial, susceptibility to, 1 (BROVCA1). Also called: BRCA1 Hereditary Breast and Ovarian Cancer; OVARIAN CANCER, SUSCEPTIBILITY TO. Identifiers: Orphanet 145, MedGen C2676676, MONDO:0011450, OMIM 604370. Disease mechanism: loss of function.

Submission:

Brotman Baty Institute, University of Washington
No classification provided (evidence only). Condition: Breast-ovarian cancer, familial 1. Review status: no classification provided. Collection method: in vitro. Allele origin: not applicable. Functional consequence: functionally_normal.
ClinVar note: "not provided" was previously submitted as the classification for the variant. However, the classification appeared to be based only on an observation of functional data so it was converted to no classification on 2025-07-30.